The following is an entry in ClinVar:

ClinVar aggregate classification (germline): Uncertain significance (1 of 4 stars; one submission).

Conditions:
Inclusion body myositis (IBM). Identifiers: Orphanet 611, MedGen C0238190, MONDO:0007827, OMIM 147421.

Submission:

Broad Center for Mendelian Genomics, Broad Institute of MIT and Harvard
Classification: Uncertain significance for Inclusion body myositis. Last evaluated: 2026-03-05. Review status: criteria provided, single submitter. Criteria: ACMG Guidelines, 2015. Collection method: research. Allele origin: germline. Inheritance: Autosomal dominant inheritance. Study: GREGoR Consortium.
Comment: The p.Gly376Val variant in TARDBP has been reported in 1 individual with inclusion body myositis (Cerino 2017 PMID: 28256728). Variants in TARDBP have previously been associated with amyotrophic lateral sclerosis 10 (ALS; PMID: 30837838). It was absent from large population studies. Computational prediction tools and conservation analyses do not provide strong support for or against an impact to the protein. Another variant involving this codon (p.Gly376Asp) has been identified in individuals with ALS and is classified as pathogenic by this laboratory (Tsai 2020 PMID: 32462798, Mitsuzawa 2018 PMID: 29928714, Czell 2013 PMID: 23327806, Conforti 2011 PMID: 20959352). Additionally, the number of TARDBP missense variants in the general population is lower than expected (Z=3.71), providing some evidence that this variant may not be tolerated. Furthermore, although this gene has been reported in association with neurodegenerative phenotypes, it currently has limited evidence for these associations. In summary, the clinical significance of this variant is uncertain.

NM_007375.4(TARDBP):c.1127G>T (p.Gly376Val)

Gene: TARDBP (TAR DNA binding protein; plus strand). Cytogenetic location: 1p36.22.
Variant type: single nucleotide variant.
Coding change: c.1127G>T on transcript NM_007375.4 (MANE Select); coding-DNA position 1127, G replaced by T.
Protein change: p.Gly376Val; replaces glycine 376 with valine.
Molecular consequence: missense variant.
Genome position (GRCh38, 1-based): chr1:11,022,536, G>T. VCF-style: chr1-11022536-G-T. GRCh37 (hg19) VCF-style: chr1-11082593-G-T.
Other names: NM_007375.4:c.1127G>T; short protein forms G376V.
Identifiers: ClinVar variation 4819588 (VCV004819588.1).